The following is an entry in ClinVar:

ClinVar aggregate classification (germline): Uncertain significance (1 of 4 stars; one submission).

Conditions:
Inborn genetic diseases. Identifiers: MedGen C0950123, MeSH D030342.

Submission:

Ambry Genetics
Classification: Uncertain significance for Inborn genetic diseases. Last evaluated: 2024-06-28. Review status: criteria provided, single submitter. Criteria: Ambry Variant Classification Scheme 2023. Collection method: clinical testing. Allele origin: germline.
Comment: The p.K453Q variant (also known as c.1357A>C), located in coding exon 10 of the ACD gene, results from an A to C substitution at nucleotide position 1357. The lysine at codon 453 is replaced by glutamine, an amino acid with similar properties. This amino acid position is conserved. In addition, this alteration is predicted to be tolerated by in silico analysis. Based on the available evidence, the clinical significance of this variant remains unclear.

NM_001082486.2(ACD):c.1099A>C (p.Lys367Gln)

Gene: ACD (ACD shelterin complex subunit and telomerase recruitment factor; minus strand). Cytogenetic location: 16q22.1.
Variant type: single nucleotide variant.
Coding change: c.1099A>C on transcript NM_001082486.2 (MANE Select); coding-DNA position 1099, A replaced by C.
Protein change: p.Lys367Gln; replaces lysine 367 with glutamine.
Molecular consequence: missense variant.
Genome position (GRCh38, 1-based): chr16:67,658,093, T>G on the plus strand (A>C on the coding strand, the complement: ACD is on the minus strand). VCF-style: chr16-67658093-T-G. GRCh37 (hg19) VCF-style: chr16-67691996-T-G.
Other names: c.1012A>C, p.Lys338Gln (NM_001410884.1); c.1090A>C, p.Lys364Gln (NM_022914.3); short protein forms K338Q, K364Q, K367Q.
Identifiers: ClinVar variation 3479989 (VCV003479989.1).